The following is an entry in ClinVar:

ClinVar aggregate classification (germline): Pathogenic. Review status: reviewed by expert panel (3 of 4 stars). 17 submissions from 15 submitters: Pathogenic (1). 16 of the submissions do not count toward it. Last evaluated 2024-05-09.

Conditions:
Epilepsy, familial focal, with variable foci 4 (FFEVF4). Identifiers: MedGen C4693694, MONDO:0054776, OMIM 617935.
Developmental and epileptic encephalopathy, 62. Also called: Early infantile epileptic encephalopathy 62. Identifiers: MedGen C4693699, MONDO:0033371, OMIM 617938.
Developmental delay. Also called: Delayed development. Identifiers: MedGen C0424605.
Polymicrogyria. Identifiers: Orphanet 35981, MedGen C0266464, MONDO:0000087, HP:0002126.
Developmental and epileptic encephalopathy. Identifiers: MedGen C5779964, MONDO:0100620.
Epilepsy. Also called: Seizure disorder. Identifiers: MedGen C0014544, MeSH D004827, MONDO:0005027.

Submissions 1 to 11 of 18:

ClinGen Epilepsy Sodium Channel Variant Curation Expert Panel, Clingen
Classification: Pathogenic for Developmental and epileptic encephalopathy. Last evaluated: 2024-05-09. Review status: reviewed by expert panel. Criteria: ClinGen EpilepsySCN ACMG Specifications SCN3A V1.0.0. Collection method: curation. Allele origin: germline. Inheritance: Autosomal dominant inheritance.
Comment: The c.2624T>C variant in SCN3A is a missense variant predicted to cause substitution of isoleucine by threonine at amino acid 875 (p.Ile875Thr). The variant has been identified as a de novo occurrence with confirmed parental relationships in at least 4 individual(s) with DEE (PMIDs: 29740860, 29466837) (PS2_Very Strong) and as a de novo occurrance with unconfirmed parental relationship in a least 2 individuals with DEE (PMIDs: 29286531, 28191890) (PM6_Moderate), with additional case evidence available in the literature. The variant is absent from gnomAD v2.1.1 (PM2_Supporting). Studies have observed that when expressed in mammalian cells in culture, this variant causes a gain-of-function effect on the mutant channels as evidenced by a significant leftward/hyperpolarized shift in the voltage dependence of activation, an increase in the persistent/inactivating current, and a rightward/depolarizing shift in the voltage of inactivation (PS3; PMID: 29466837). In summary, this variant meets the criteria to be classified as pathogenic for autosomal dominant developmental and epilepstic encephalopathy based on the ACMG/AMP criteria applied, as specified by the ClinGen Epilepsy Sodium Channel VCEP: PS2_VS, PM6_Moderate, PM2_Supporting, PS3. (Version 1; July 7, 2023).

3billion
Classification: Pathogenic for Developmental and epileptic encephalopathy, 62. Last evaluated: 2025-08-19. Review status: criteria provided, single submitter. Criteria: ACMG Guidelines, 2015. Collection method: clinical testing. Allele origin: germline. Affected: yes. Not counted in ClinVar's aggregate classification.
Comment: The variant is not observed in the gnomAD v4.1.0 dataset. Predicted Consequence/Location: Missense variant. Missense changes are a common disease-causing mechanism. Functional studies provide moderate evidence of the variant having a damaging effect on the gene or gene product (PMID: 29466837). In silico tool predictions suggest damaging effect of the variant on gene or gene product [REVEL: 0.98 (>=0.6, sensitivity 0.68 and specificity 0.92); 3Cnet: 1.00 (> 0.75, sensitivity 0.96 and precision 0.92)]. The same nucleotide change resulting in the same amino acid change has been previously reported as pathogenic/likely pathogenic with strong evidence (ClinVar ID: VCV000373960 /PMID: 29286531 /3billion dataset). Therefore, this variant is classified as Pathogenic according to the recommendation of ACMG/AMP guideline.

GeneDx
Classification: Pathogenic. Last evaluated: 2025-03-17. Review status: criteria provided, single submitter. Criteria: GeneDx Variant Classification Process June 2021. Collection method: clinical testing. Allele origin: germline. Affected: yes. Not counted in ClinVar's aggregate classification.
Comment: Not observed at significant frequency in large population cohorts (gnomAD); In silico analysis supports that this missense variant has a deleterious effect on protein structure/function; This variant is associated with the following publications: (PMID: 29466837, 28135719, 29286531, 28191890, 30904718, 29740860, 30146301, 32090326, 32515017, 31785789, 33057194, 35982159, 38259611, 37935051)

Dasa
Classification: Pathogenic. Last evaluated: 2024-11-26. Review status: criteria provided, single submitter. Criteria: DASA Assertion Criteria. Collection method: clinical testing. Allele origin: germline. Not counted in ClinVar's aggregate classification.
Comment: NM_006922.4(SCN3A):c.2624T>C (p.Ile875Thr) is a missense variant that results in the substitution of isoleucine with threonine. De novo occurrence has been reported in an individual with related phenotype. Functional evidence supports a deleterious effect on the gene or gene product (PMID: 30146301; PMID: 29740860; PMID: 29466837; PMID: 29286531; PMID: 28191890). This variant has been recurrently observed in individuals with related phenotype (PMID: 30146301; PMID: 29740860; PMID: 29466837; PMID: 29286531; PMID: 28191890). Multiple computational predictions support a deleterious effect on the gene or gene product. The variant is present at low frequency in population datasets. Based on the available data, this variant is classified as pathogenic.

Labcorp Genetics (formerly Invitae), Labcorp
Classification: Pathogenic. Last evaluated: 2024-11-21. Review status: criteria provided, single submitter. Criteria: Invitae Variant Classification Sherloc (09022015). Collection method: clinical testing. Allele origin: germline. Not counted in ClinVar's aggregate classification.
Comment: This sequence change replaces isoleucine, which is neutral and non-polar, with threonine, which is neutral and polar, at codon 875 of the SCN3A protein (p.Ile875Thr). This variant is not present in population databases (gnomAD no frequency). This missense change has been observed in individual(s) with polymicrogyria and early infantile epileptic encephalopathy (PMID: 29466837, 29740860; internal data). In at least one individual the variant was observed to be de novo. ClinVar contains an entry for this variant (Variation ID: 373960). Invitae Evidence Modeling of protein sequence and biophysical properties (such as structural, functional, and spatial information, amino acid conservation, physicochemical variation, residue mobility, and thermodynamic stability) indicates that this missense variant is expected to disrupt SCN3A protein function with a positive predictive value of 95%. Experimental studies have shown that this missense change affects SCN3A function (PMID: 29466837). For these reasons, this variant has been classified as Pathogenic.

Dubai Health Genomic Medicine Center, Dubai Health
Classification: Pathogenic for Epilepsy. Last evaluated: 2024-10-04. Review status: criteria provided, single submitter. Criteria: ACMG Guidelines, 2015. Collection method: research. Allele origin: germline. Affected: yes. Not counted in ClinVar's aggregate classification.
Comment: PS2,PS3,PM2,PP3

Unidad de Genómica Garrahan, Hospital de Pediatría Garrahan
Classification: Pathogenic for Developmental and epileptic encephalopathy. Last evaluated: 2024-01-01. Review status: criteria provided, single submitter. Criteria: ACMG Guidelines, 2015. Collection method: clinical testing. Allele origin: germline. Affected: yes. Observed: 1 variant allele. Not counted in ClinVar's aggregate classification.
Comment: ACMG/AMP criteria applied: PS2_very strong, PS3_strong, PM1_moderate, PM2_supporting, PP3_moderate.

Intergen Genetics and Rare Diseases Diagnosis Center
Classification: Pathogenic for Developmental and epileptic encephalopathy, 62. Last evaluated: 2023-07-20. Review status: criteria provided, single submitter. Criteria: ACMG Guidelines, 2015. Collection method: clinical testing. Allele origin: de novo. Inheritance: Autosomal dominant inheritance. Affected: yes. Observed: 1 heterozygote. Not counted in ClinVar's aggregate classification.

Intergen Genetics and Rare Diseases Diagnosis Center
Classification: Pathogenic for Developmental and epileptic encephalopathy. Last evaluated: 2023-07-05. Review status: criteria provided, single submitter. Criteria: ACMG Guidelines, 2015. Collection method: clinical testing. Allele origin: unknown. Inheritance: Autosomal dominant inheritance. Affected: yes. Observed: 1 heterozygote. Not counted in ClinVar's aggregate classification.

Institute of Human Genetics, University of Leipzig Medical Center
Classification: Likely pathogenic for Developmental and epileptic encephalopathy, 62. Last evaluated: 2021-12-21. Review status: criteria provided, single submitter. Criteria: ACMG Guidelines, 2015. Collection method: research. Allele origin: de novo. Affected: yes. Not counted in ClinVar's aggregate classification.

Institute of Medical Genetics and Applied Genomics, University Hospital Tübingen
Classification: Likely pathogenic. Last evaluated: 2020-10-23. Review status: criteria provided, single submitter. Criteria: ACMG Guidelines, 2015. Collection method: clinical testing. Allele origin: germline. Inheritance: Unknown mechanism. Affected: yes. Not counted in ClinVar's aggregate classification.

NM_006922.4(SCN3A):c.2624T>C (p.Ile875Thr)

Gene: SCN3A (sodium voltage-gated channel alpha subunit 3; minus strand). Cytogenetic location: 2q24.3.
Variant type: single nucleotide variant.
Coding change: c.2624T>C on transcript NM_006922.4 (MANE Select); coding-DNA position 2624, T replaced by C.
Protein change: p.Ile875Thr; replaces isoleucine 875 with threonine.
Molecular consequence: missense variant.
Genome position (GRCh38, 1-based): chr2:165,130,238, A>G on the plus strand (T>C on the coding strand, the complement: SCN3A is on the minus strand). VCF-style: chr2-165130238-A-G. GRCh37 (hg19) VCF-style: chr2-165986748-A-G.
Other names: NM_006922.4(SCN3A):c.2624T>C; p.Ile875Thr; NP_008853.3:p.(Ile875Thr); c.2477T>C, p.Ile826Thr (NM_001081676.2, NM_001081677.2); short protein forms I875T, I826T.
Identifiers: ClinVar variation 373960 (VCV000373960.35), dbSNP rs1057518801, ClinGen allele CA16043377.
Genomic context (GRCh38, chr2:165,130,238, plus strand): 5'-ATGAAGACGATGATGGCCAACACCAAGGTGAGGTTTCCTAGAGCCCCCACAGAATTGCCA[A>G]TGATCTTAATTAGCATATTTAGTGTGGGCCAGGATTTTGCCAACTTGAAAACTCTAAGCT-3'
Protein context (NP_008853.3, residues 865-885): WPTLNMLIKI[Ile875Thr]GNSVGALGNL